The following is an entry in ClinVar:

ClinVar aggregate classification (germline): Uncertain significance (1 of 4 stars; one submission).

Submission:

Labcorp Genetics (formerly Invitae), Labcorp
Classification: Uncertain significance. Last evaluated: 2025-11-24. Review status: criteria provided, single submitter. Criteria: Invitae Variant Classification Sherloc (09022015). Collection method: clinical testing. Allele origin: germline.
Comment: This variant, c.2444_2446del, results in the deletion of 1 amino acid(s) of the POLE protein (p.Phe815del), but otherwise preserves the integrity of the reading frame. This variant is not present in population databases (gnomAD no frequency). This variant has not been reported in the literature in individuals affected with POLE-related conditions. ClinVar contains an entry for this variant (Variation ID: 1510642). Experimental studies and prediction algorithms are not available or were not evaluated, and the functional significance of this variant is currently unknown. In summary, the available evidence is currently insufficient to determine the role of this variant in disease. Therefore, it has been classified as a Variant of Uncertain Significance.

NM_006231.4(POLE):c.2444_2446del (p.Phe815del)

Gene: POLE (DNA polymerase epsilon, catalytic subunit; minus strand). Cytogenetic location: 12q24.33.
Variant type: Deletion.
Coding change: c.2444_2446del on transcript NM_006231.4 (MANE Select); coding-DNA positions 2444 to 2446, 3 bases deleted (TCT; older notation c.2444_2446delTCT).
Protein change: p.Phe815del; deletes phenylalanine 815.
Molecular consequence: inframe deletion.
Genome position (GRCh38, 1-based): chr12:132,665,324-132,665,326, AGA deleted on the plus strand (TCT on the coding strand, the reverse complement: POLE is on the minus strand); deleting any 3 consecutive bases within chr12:132,665,324-132,665,328 gives the same sequence; the c. name uses the placement nearest the transcript's 3' end. VCF-style (leftmost placement, unchanged base first): chr12-132665323-TAGA-T. GRCh37 (hg19) VCF-style: chr12-133241909-TAGA-T.
Other names: short protein forms F815del.
Identifiers: ClinVar variation 1510642 (VCV001510642.6), dbSNP rs2135961412, ClinGen allele CA2573148293.